The following is an entry in ClinVar:

NM_014844.5(TECPR2):c.3061G>A (p.Asp1021Asn)

Gene: TECPR2 (tectonin beta-propeller repeat containing 2; plus strand). Cytogenetic location: 14q32.31.
Variant type: single nucleotide variant.
Coding change: c.3061G>A on transcript NM_014844.5 (MANE Select); coding-DNA position 3061, G replaced by A.
Protein change: p.Asp1021Asn; replaces aspartic acid 1021 with asparagine.
Molecular consequence: missense variant.
Genome position (GRCh38, 1-based): chr14:102,445,933, G>A. VCF-style: chr14-102445933-G-A. GRCh37 (hg19) VCF-style: chr14-102912270-G-A.
Other names: c.3061G>A, p.Asp1021Asn (NM_001172631.3); c.3061G>A (NM_014844.3); short protein forms D1021N.
Identifiers: ClinVar variation 2054012 (VCV002054012.4), dbSNP rs374680065, ClinGen allele CA7358119.

ClinVar aggregate classification (germline): Uncertain significance. Review status: criteria provided, multiple submitters, no conflicts (2 of 4 stars). 3 submissions from 3 submitters: Uncertain significance (3). Last evaluated 2025-01-06.

Conditions:
Inborn genetic diseases. Identifiers: MedGen C0950123, MeSH D030342.
Hereditary spastic paraplegia 49 (HSAN9). Also called: TECPR2-Related Hereditary Sensory and Autonomic Neuropathy with Intellectual Disability; NEUROPATHY, HEREDITARY SENSORY AND AUTONOMIC, TYPE IX, WITH DEVELOPMENTAL DELAY; Spastic paraplegia 49, autosomal recessive. Identifiers: Orphanet 320385, MedGen C5190860, MONDO:0014016, OMIM 615031.

Allele frequency attached by ClinVar (database versions not stated): gnomAD 0.00003; ExAC 0.00005; TOPMed 0.00006; ESP Exome Variant Server 0.00008.
gnomAD v4.1: 35 of 1,613,626 alleles (0.0022%); highest among the groups gnomAD compares: East Asian, 0.027%; no homozygotes.

Submissions (3):

Labcorp Genetics (formerly Invitae), Labcorp
Classification: Uncertain significance for Hereditary spastic paraplegia 49. Last evaluated: 2025-01-06. Review status: criteria provided, single submitter. Criteria: Invitae Variant Classification Sherloc (09022015). Collection method: clinical testing. Allele origin: germline.
Comment: This sequence change replaces aspartic acid, which is acidic and polar, with asparagine, which is neutral and polar, at codon 1021 of the TECPR2 protein (p.Asp1021Asn). This variant is present in population databases (rs374680065, gnomAD 0.06%). This variant has not been reported in the literature in individuals affected with TECPR2-related conditions. ClinVar contains an entry for this variant (Variation ID: 2054012). An algorithm developed to predict the effect of missense changes on protein structure and function outputs the following: PolyPhen-2: "Benign". The asparagine amino acid residue is found in multiple mammalian species, which suggests that this missense change does not adversely affect protein function. In summary, the available evidence is currently insufficient to determine the role of this variant in disease. Therefore, it has been classified as a Variant of Uncertain Significance.

GeneDx
Classification: Uncertain significance. Last evaluated: 2024-07-23. Review status: criteria provided, single submitter. Criteria: GeneDx Variant Classification Process June 2021. Collection method: clinical testing. Allele origin: germline. Affected: yes.
Comment: Has not been previously published as pathogenic or benign to our knowledge; In silico analysis indicates that this missense variant does not alter protein structure/function

Ambry Genetics
Classification: Uncertain significance for Inborn genetic diseases. Last evaluated: 2024-02-13. Review status: criteria provided, single submitter. Criteria: Ambry Variant Classification Scheme 2023. Collection method: clinical testing. Allele origin: germline.